The following is an entry in ClinVar:

NM_001369.3(DNAH5):c.7309C>G (p.Arg2437Gly)

Gene: DNAH5 (dynein axonemal heavy chain 5; minus strand). Cytogenetic location: 5p15.2.
Variant type: single nucleotide variant.
Coding change: c.7309C>G on transcript NM_001369.3 (MANE Select); coding-DNA position 7309, C replaced by G.
Protein change: p.Arg2437Gly; replaces arginine 2437 with glycine.
Molecular consequence: missense variant.
Genome position (GRCh38, 1-based): chr5:13,811,745, G>C on the plus strand (C>G on the coding strand, the complement: DNAH5 is on the minus strand). VCF-style: chr5-13811745-G-C. GRCh37 (hg19) VCF-style: chr5-13811854-G-C.
Other names: short protein forms R2437G.
Identifiers: ClinVar variation 1199260 (VCV001199260.14), dbSNP rs201469471, ClinGen allele CA3203125.

ClinVar aggregate classification (germline): Conflicting classifications of pathogenicity. Review status: criteria provided, conflicting classifications (1 of 4 stars). 5 submissions from 5 submitters: Uncertain significance (4); Likely benign (1). Last evaluated 2025-10-30.

Conditions:
Primary ciliary dyskinesia 3. Identifiers: Orphanet 244, MedGen C1837618, MONDO:0012085, OMIM 608644.
Primary ciliary dyskinesia. Also called: Ciliary dyskinesia. Identifiers: Orphanet 244, MedGen C0008780, MONDO:0016575, HP:0012265.

gnomAD v4.1: 97 of 1,613,992 alleles (0.006%); highest among the groups gnomAD compares: South Asian, 0.09%; 2 homozygotes.

Submissions (5):

Labcorp Genetics (formerly Invitae), Labcorp
Classification: Likely benign for Primary ciliary dyskinesia. Last evaluated: 2025-10-30. Review status: criteria provided, single submitter. Criteria: Invitae Variant Classification Sherloc (09022015). Collection method: clinical testing. Allele origin: germline.

Blueprint Genetics
Classification: Uncertain significance. Last evaluated: 2022-08-08. Review status: criteria provided, single submitter. Criteria: ACMG Guidelines, 2015. Collection method: clinical testing. Allele origin: germline.

Ambry Genetics
Classification: Uncertain significance for Primary ciliary dyskinesia. Last evaluated: 2022-03-16. Review status: criteria provided, single submitter. Criteria: Ambry Variant Classification Scheme 2023. Collection method: clinical testing. Allele origin: germline.

Genome-Nilou Lab
Classification: Uncertain significance for Primary ciliary dyskinesia 3. Last evaluated: 2021-07-14. Review status: criteria provided, single submitter. Criteria: ACMG Guidelines, 2015. Collection method: clinical testing. Allele origin: germline. Affected: no.

Neuberg Centre For Genomic Medicine, NCGM
Classification: Uncertain significance for Primary ciliary dyskinesia 3. Review status: criteria provided, single submitter. Criteria: ACMG Guidelines, 2015. Collection method: clinical testing. Allele origin: germline. Inheritance: Autosomal recessive inheritance. Affected: yes.
Comment: The missense variant p.Arg2437Gly (NM_001369.2) has been submitted to ClinVar as a Variant of Uncertain Significance, but no details are available for independent assessment. It has not been reported in affected individuals. The p.Arg2437Gly variant is reported with the allele frequency of 0.009545% in gnomAD Exomes and is novel (not in any individuals) in 1000 Genomes. The amino acid Arg at position 2437 is changed to a Gly changing protein sequence and it might alter its composition and physico-chemical properties. In silico tools predict the variant to be tolerated. The residue is conserved across species. The amino acid change p.Arg2437Gly in DNAH5 is predicted as conserved by GERP++ and PhyloP across 100 vertebrates. For these reasons, this variant has been classified as Uncertain Significance.